The following is an entry in ClinVar:

ClinVar aggregate classification (germline): Uncertain significance (1 of 4 stars; one submission).

Submission:

Labcorp Genetics (formerly Invitae), Labcorp
Classification: Uncertain significance. Last evaluated: 2024-08-14. Review status: criteria provided, single submitter. Criteria: Invitae Variant Classification Sherloc (09022015). Collection method: clinical testing. Allele origin: germline.
Comment: This sequence change replaces methionine, which is neutral and non-polar, with isoleucine, which is neutral and non-polar, at codon 1018 of the C3 protein (p.Met1018Ile). This variant is present in population databases (no rsID available, gnomAD 0.0009%). This variant has not been reported in the literature in individuals affected with C3-related conditions. Invitae Evidence Modeling of protein sequence and biophysical properties (such as structural, functional, and spatial information, amino acid conservation, physicochemical variation, residue mobility, and thermodynamic stability) indicates that this missense variant is not expected to disrupt C3 protein function with a negative predictive value of 80%. In summary, the available evidence is currently insufficient to determine the role of this variant in disease. Therefore, it has been classified as a Variant of Uncertain Significance.

NM_000064.4(C3):c.3054G>A (p.Met1018Ile)

Gene: C3 (complement C3; minus strand). Cytogenetic location: 19p13.3.
Variant type: single nucleotide variant.
Coding change: c.3054G>A on transcript NM_000064.4 (MANE Select); coding-DNA position 3054, G replaced by A.
Protein change: p.Met1018Ile; replaces methionine 1018 with isoleucine.
Molecular consequence: missense variant.
Genome position (GRCh38, 1-based): chr19:6,694,531, C>T on the plus strand (G>A on the coding strand, the complement: C3 is on the minus strand). VCF-style: chr19-6694531-C-T. GRCh37 (hg19) VCF-style: chr19-6694542-C-T.
Other names: short protein forms M1018I.
Identifiers: ClinVar variation 3684772 (VCV003684772.2).